The following is an entry in ClinVar:

ClinVar aggregate classification (germline): Pathogenic/Likely pathogenic. Review status: criteria provided, multiple submitters, no conflicts (2 of 4 stars). 16 submissions from 16 submitters: Pathogenic (13); Likely pathogenic (2). 1 of the submissions does not count toward it. Last evaluated 2025-09-25.

Conditions:
ATP7B-related disorder. Also called: ATP7B-related condition.
Wilson disease (WND). Also called: Wilson's disease. Identifiers: Orphanet 905, MedGen C0019202, MONDO:0010200, OMIM 277900. Disease mechanism: loss of function.

Submissions 1 to 12 of 16:

Labcorp Genetics (formerly Invitae), Labcorp
Classification: Pathogenic for Wilson disease. Last evaluated: 2025-09-25. Review status: criteria provided, single submitter. Criteria: Invitae Variant Classification Sherloc (09022015). Collection method: clinical testing. Allele origin: germline.
Comment: This sequence change creates a premature translational stop signal (p.Ser1365Cysfs*12) in the ATP7B gene. While this is not anticipated to result in nonsense mediated decay, it is expected to disrupt the last 101 amino acid(s) of the ATP7B protein. This variant is present in population databases (rs771603301, gnomAD 0.006%). This premature translational stop signal has been observed in individual(s) with Wilson disease (PMID: 17317524, 20042865). ClinVar contains an entry for this variant (Variation ID: 371438). Experimental studies and prediction algorithms are not available or were not evaluated, and the functional significance of this variant is currently unknown. This variant disrupts a region of the ATP7B protein in which other variant(s) (p.Gln1399Argfs*6) have been determined to be pathogenic (PMID: 11054498, 14748773, 28600779). This suggests that this is a clinically significant region of the protein, and that variants that disrupt it are likely to be disease-causing. For these reasons, this variant has been classified as Pathogenic.

Natera, Inc.
Classification: Pathogenic for Wilson disease. Last evaluated: 2025-03-26. Review status: criteria provided, single submitter. Criteria: Natera Variant Classification Schema (03/2026). Collection method: clinical testing. Allele origin: germline.
Comment: The c.4092_4093delGT variant in ATP7B is a frameshift variant predicted to shift the reading frame beginning at codon 1365 and leads to a stop codon 12 codons downstream. This variant is expected to result in nonsense mediated decay, truncation, or a dysfunctional protein product. This variant is rare in the general population with a frequency below the threshold expected for the associated phenotype(s). This variant has been observed in one or more individuals affected with the associated recessive disease, as either homozygous or compound heterozygous with a second variant (PMID: 23518715). Given the available evidence, this variant is classified as Pathogenic.

Department of Human Genetics, Hannover Medical School
Classification: Pathogenic for Wilson disease. Last evaluated: 2025-03-25. Review status: criteria provided, single submitter. Criteria: ACMG Guidelines, 2015. Collection method: clinical testing. Allele origin: germline. Inheritance: Autosomal recessive inheritance. Affected: yes.
Comment: PVS1_Strong, PP4_Strong, PM3

All of Us Research Program, National Institutes of Health
Classification: Pathogenic for Wilson disease. Last evaluated: 2024-08-06. Review status: criteria provided, single submitter. Criteria: ACMG Guidelines, 2015. Collection method: clinical testing. Allele origin: germline. Inheritance: Autosomal recessive inheritance. Observed: 7 variant alleles, 7 heterozygotes.
Comment: This variant deletes 2 nucleotides in exon 20 of the ATP7B gene, creating a frameshift and premature translation stop signal. This variant is expected to result in an absent or non-functional protein product. This variant has been observed with co-occurring pathogenic mutations in individuals affected with autosomal recessive Wilson disease (PMID: 15967699, 17317524, 20042865, 23518715, 34400371), indicating that this variant contributes to disease. This variant has been identified in 5/247014 chromosomes in the general population by the Genome Aggregation Database (gnomAD). Loss of ATP7B function is a known mechanism of disease. Based on the available evidence, this variant is classified as Pathogenic.

This study involves interpretation of variants in research participants for the purpose of population health screening. Participant phenotype was not available at the time of variant classification. Additional details can be found in publication PMID: 35346344, PMCID: PMC8962531

ARUP Laboratories, Molecular Genetics and Genomics, ARUP Laboratories
Classification: Pathogenic for Wilson disease. Last evaluated: 2024-08-03. Review status: criteria provided, single submitter. Criteria: ARUP Molecular Germline Variant Investigation Process 2024. Collection method: clinical testing. Allele origin: germline.
Comment: The ATP7B c.4092_4093del; p.Ser1365CysfsTer12 variant (rs771603301, ClinVar Variation ID: 371438) is reported in multiple individuals with Wilson disease (Chappuis 2007, Couchonnal 2021, Lowette 2010, Shah 1997, Vrabelova 2005). This variant is only found on five alleles in the Genome Aggregation Database (v2.1.1), indicating it is not a common polymorphism. This variant introduces a premature codon in exon 20 of 21. While not predicted to result in nonsense mediated decay, it does truncate the peptide by 7% and truncating variants located downstream have been observed in Wilson disease patients (Majumdar 2000). Based on the available information, this variant is considered to be pathogenic. References: Chappuis P et al. Late neurological presentations of Wilson disease patients in French population and identification of 8 novel mutations in the ATP7B gene. J Trace Elem Med Biol. 2007;21(1):37-42. PMID: 17317524. Couchonnal E et al. ATP7B variant spectrum in a French pediatric Wilson disease cohort. Eur J Med Genet. 2021 Oct;64(10):104305. PMID: 34400371. Lowette KF et al. Wilson's disease: long-term follow-up of a cohort of 24 patients treated with D-penicillamine. Eur J Gastroenterol Hepatol. 2010 May;22(5):564-71. PMID: 20042865. Majumdar R et al. A novel deletion mutation within the carboxyl terminus of the copper-transporting ATPase gene causes Wilson disease. J Neurol Sci. 2000 Oct 1;179(S 1-2):140-3. PMID: 11054498. Shah AB et al. Identification and analysis of mutations in the Wilson disease gene (ATP7B): population frequencies, genotype-phenotype correlation, and functional analyses. Am J Hum Genet. 1997 Aug;61(2):317-28. PMID: 9311736 Vrabelova S et al. Mutation analysis of the ATP7B gene and genotype/phenotype correlation in 227 patients with Wilson disease. Mol Genet Metab. 2005 Sep-Oct;86(1-2):277-85. PMID: 15967699.

Color Diagnostics, LLC DBA Color Health
Classification: Pathogenic for Wilson disease. Last evaluated: 2024-07-10. Review status: criteria provided, single submitter. Criteria: ACMG Guidelines, 2015. Collection method: clinical testing. Allele origin: germline.
Comment: This variant deletes 2 nucleotides in exon 20 of the ATP7B gene, creating a frameshift and premature translation stop signal. This variant is expected to result in an absent or non-functional protein product. This variant has been observed in individuals affected with autosomal recessive Wilson disease (PMID: 15967699, 17317524, 20042865, 23518715, 34400371). This variant has been identified in 5/247014 chromosomes in the general population by the Genome Aggregation Database (gnomAD). Loss of ATP7B function is a known mechanism of disease. Based on the available evidence, this variant is classified as Pathogenic.

Baylor Genetics
Classification: Pathogenic for Wilson disease. Last evaluated: 2024-03-28. Review status: criteria provided, single submitter. Criteria: ACMG Guidelines, 2015. Collection method: clinical testing. Allele origin: unknown.

CeGaT Center for Human Genetics Tuebingen
Classification: Pathogenic. Last evaluated: 2023-01-01. Review status: criteria provided, single submitter. Criteria: CeGaT Center For Human Genetics Tuebingen Variant Classification Criteria Version 2. Collection method: clinical testing. Allele origin: germline. Affected: yes. Observed: 2 variant alleles.
Comment: ATP7B: PM3:Very Strong, PM2, PVS1:Moderate, PP4

Blueprint Genetics
Classification: Likely pathogenic for ATP7B-related disorders. Last evaluated: 2022-10-10. Review status: criteria provided, single submitter. Criteria: ACMG Guidelines, 2015. Collection method: clinical testing. Allele origin: germline. Affected: yes. Observed: 5 variant alleles.

GeneDx
Classification: Pathogenic. Last evaluated: 2022-04-14. Review status: criteria provided, single submitter. Criteria: GeneDx Variant Classification Process June 2021. Collection method: clinical testing. Allele origin: germline. Affected: yes.
Comment: Frameshift variant predicted to result in protein truncation, as the last 101 amino acids are replaced with 11 different amino acids, and other loss-of-function variants have been reported downstream in the Human Gene Mutation Database (HGMD); Not observed at a significant frequency in large population cohorts (gnomAD); This variant is associated with the following publications: (PMID: 18371106, 7626145, 9311736, 30556376, 28600779, 20042865, 14748773, 11054498, 15967699, 17317524, 23518715)

Genome-Nilou Lab
Classification: Pathogenic for Wilson disease. Last evaluated: 2021-08-10. Review status: criteria provided, single submitter. Criteria: ACMG Guidelines, 2015. Collection method: clinical testing. Allele origin: germline. Affected: no.

Fulgent Genetics
Classification: Pathogenic for Wilson disease. Last evaluated: 2021-06-30. Review status: criteria provided, single submitter. Criteria: ACMG Guidelines, 2015. Collection method: clinical testing. Allele origin: unknown.
Comment: This variant has been detected in individual(s) who were sent for testing of Renasight - kidney gene panel.

NM_000053.4(ATP7B):c.4092_4093del (p.Ser1365fs)

Gene: ATP7B (ATPase copper transporting beta; minus strand). Cytogenetic location: 13q14.3.
Variant type: Microsatellite.
Coding change: c.4092_4093del on transcript NM_000053.4 (MANE Select); coding-DNA positions 4092 to 4093, 2 bases deleted (GT; older notation c.4092_4093delGT).
Protein change: p.Ser1365fs; shifts the reading frame from serine 1365.
Molecular consequence: frameshift variant.
Genome position (GRCh38, 1-based): chr13:51,935,624-51,935,625, AC deleted on the plus strand (GT on the coding strand, the reverse complement: ATP7B is on the minus strand); deleting any 2 consecutive bases within chr13:51,935,624-51,935,628 gives the same sequence; the c. name uses the placement nearest the transcript's 3' end. VCF-style (leftmost placement, unchanged base first): chr13-51935623-GAC-G. GRCh37 (hg19) VCF-style: chr13-52509759-GAC-G.
Other names: c.3471_3472del, p.Ser1158fs (NM_001005918.3); c.3759_3760del, p.Ser1254fs (NM_001243182.2); c.3858_3859del, p.Ser1287fs (NM_001330578.2); c.3840_3841del, p.Ser1281fs (NM_001330579.2); short protein forms S1281fs, S1158fs, S1365fs, S1254fs, S1287fs.
Identifiers: ClinVar variation 371438 (VCV000371438.63), dbSNP rs771603301, ClinGen allele CA16041660.